The following is an entry in ClinVar:

NM_033402.5(LRRCC1):c.812C>T (p.Thr271Met)

Gene: LRRCC1 (leucine rich repeat and coiled-coil centrosomal protein 1; plus strand). Cytogenetic location: 8q21.2.
Variant type: single nucleotide variant.
Coding change: c.812C>T on transcript NM_033402.5 (MANE Select); coding-DNA position 812, C replaced by T.
Protein change: p.Thr271Met; replaces threonine 271 with methionine.
Molecular consequence: missense variant. On other transcripts: intron variant (2).
Genome position (GRCh38, 1-based): chr8:85,115,466, C>T. VCF-style: chr8-85115466-C-T. GRCh37 (hg19) VCF-style: chr8-86027701-C-T.
Other names: c.533C>T, p.Thr178Met (NM_001349636.2); c.386C>T, p.Thr129Met (NM_001349637.2); c.33+2367C>T (NM_001349638.2); c.-14+2367C>T (NM_001349639.2); short protein forms T271M, T129M, T178M.
Identifiers: ClinVar variation 2457062 (VCV002457062.3), dbSNP rs202212290, ClinGen allele CA4794493.

ClinVar aggregate classification (germline): Uncertain significance. Review status: criteria provided, multiple submitters, no conflicts (2 of 4 stars). 2 submissions from 2 submitters: Uncertain significance (2). Last evaluated 2025-09-23.

Allele frequency attached by ClinVar (database versions not stated): gnomAD exomes 0.00004; TOPMed 0.00005; gnomAD 0.00006; ExAC 0.00009; 1000 Genomes Project 30x 0.00016; 1000 Genomes Project 0.00020.

Submissions (2):

Labcorp Genetics (formerly Invitae), Labcorp
Classification: Uncertain significance. Last evaluated: 2025-09-23. Review status: criteria provided, single submitter. Criteria: Invitae Variant Classification Sherloc (09022015). Collection method: clinical testing. Allele origin: germline.
Comment: This sequence change replaces threonine, which is neutral and polar, with methionine, which is neutral and non-polar, at codon 271 of the LRRCC1 protein (p.Thr271Met). This variant is present in population databases (rs202212290, gnomAD 0.04%). This variant has not been reported in the literature in individuals affected with LRRCC1-related conditions. ClinVar contains an entry for this variant (Variation ID: 2457062). An algorithm developed to predict the effect of missense changes on protein structure and function (PolyPhen-2) suggests that this variant is likely to be disruptive. In summary, the available evidence is currently insufficient to determine the role of this variant in disease. Therefore, it has been classified as a Variant of Uncertain Significance.

Ambry Genetics
Classification: Uncertain significance. Last evaluated: 2023-03-01. Review status: criteria provided, single submitter. Criteria: Ambry Variant Classification Scheme 2023. Collection method: clinical testing. Allele origin: germline.